The following is an entry in ClinVar:

NM_001368894.2(PAX6):c.399+4A>G

Gene: PAX6 (paired box 6; minus strand). Cytogenetic location: 11p13.
Variant type: single nucleotide variant.
Coding change: c.399+4A>G on transcript NM_001368894.2 (MANE Select); 4 bases into the intron after coding-DNA position 399, A replaced by G.
Molecular consequence: intron variant. On other transcripts: 5 prime UTR variant (3).
Genome position (GRCh38, 1-based): chr11:31,801,557, T>C on the plus strand (A>G on the coding strand, the complement: PAX6 is on the minus strand). VCF-style: chr11-31801557-T-C. GRCh37 (hg19) VCF-style: chr11-31823105-T-C.
Other names: c.-379A>G (NM_001310160.2, NM_001368902.2, NM_001368905.2); c.357+4A>G (NM_001127612.3, NM_001368890.2, NM_001368888.2 and 10 more transcripts); c.198+205A>G (NM_001368921.2, NM_001368923.2, NM_001368926.2 and 4 more transcripts); c.399+4A>G (NM_001258462.3, NM_001310158.2, NM_001258463.2 and 6 more transcripts); c.474+4A>G (NM_001368919.2, NM_001368918.2); c.600+4A>G (NM_001368910.2); c.-52+4A>G (NM_001368909.2, NM_001368904.2, NM_001368906.2 and 8 more transcripts); c.402+4A>G (NM_001368911.2); and 2 more.
Identifiers: ClinVar variation 1309469 (VCV001309469.3), dbSNP rs1554985282, ClinGen allele CA2573053493.

ClinVar aggregate classification (germline): Uncertain significance (1 of 4 stars; one submission).

Submission:

GeneDx
Classification: Uncertain significance. Last evaluated: 2019-10-22. Review status: criteria provided, single submitter. Criteria: GeneDx Variant Classification Process June 2021. Collection method: clinical testing. Allele origin: germline. Affected: yes.
Comment: Not observed in large population cohorts (Lek et al., 2016); In silico analysis, which includes splice predictors and evolutionary conservation, supports a deleterious effect; Has not been previously published as pathogenic or benign to our knowledge